The following is an entry in ClinVar:

NM_172107.4(KCNQ2):c.1676T>C (p.Leu559Pro)

Gene: KCNQ2 (potassium voltage-gated channel subfamily Q member 2; minus strand). Cytogenetic location: 20q13.33.
Variant type: single nucleotide variant.
Coding change: c.1676T>C on transcript NM_172107.4 (MANE Select); coding-DNA position 1676, T replaced by C.
Protein change: p.Leu559Pro; replaces leucine 559 with proline.
Molecular consequence: missense variant.
Genome position (GRCh38, 1-based): chr20:63,413,537, A>G on the plus strand (T>C on the coding strand, the complement: KCNQ2 is on the minus strand). VCF-style: chr20-63413537-A-G. GRCh37 (hg19) VCF-style: chr20-62044890-A-G.
Other names: c.1622T>C, p.Leu541Pro (NM_001382235.1, NM_172106.3); c.1592T>C, p.Leu531Pro (NM_004518.6); c.1583T>C, p.Leu528Pro (NM_172108.5); short protein forms L528P, L531P, L541P, L559P.
Identifiers: ClinVar variation 1709986 (VCV001709986.2), dbSNP rs2516168149, ClinGen allele CA409643842.
Genomic context (GRCh38, chr20:63,413,537, plus strand): 5'-AGCATGTCCAGGTGGCCGGCTGAGTACTGCTCGATGACGTCCATCACGTCGTAGGGCCGC[A>G]GGCTCTCCTTGAACTTCCGCTTGGACACCAGGAACCGCATGACACTGCAGGGGGGTGGGT-3'
Protein context (NP_742105.1, residues 549-569): LVSKRKFKES[Leu559Pro]RPYDVMDVIE

ClinVar aggregate classification (germline): Uncertain significance (1 of 4 stars; one submission).

Conditions:
Seizures, benign familial neonatal, 1. Also called: Benign Neonatal Epilepsy 1; KCNQ2-Related Self-Limited Familial Neonatal Epilepsy (SLFNE); Seizures, benign neonatal, 1; KCNQ2-Related Benign Familial Neonatal Epilepsy. Identifiers: Orphanet 1949, MedGen C3149074, MONDO:0007365, OMIM 121200.

Submission:

MGZ Medical Genetics Center
Classification: Uncertain significance for Seizures, benign familial neonatal, 1. Last evaluated: 2021-09-03. Review status: criteria provided, single submitter. Criteria: ACMG Guidelines, 2015. Collection method: clinical testing. Allele origin: germline. Affected: yes. Observed: 1 variant allele.
Comment: ACMG criteria applied: PM1, PM2_SUP, PP2, PP3